The following is an entry in ClinVar:

NM_003242.6(TGFBR2):c.43G>C (p.Val15Leu)

Gene: TGFBR2 (transforming growth factor beta receptor 2; plus strand). Cytogenetic location: 3p24.1.
Variant type: single nucleotide variant.
Coding change: c.43G>C on transcript NM_003242.6 (MANE Select); coding-DNA position 43, G replaced by C.
Protein change: p.Val15Leu; replaces valine 15 with leucine.
Molecular consequence: missense variant. On other transcripts: 5 prime UTR variant (4), intron variant (2).
Genome position (GRCh38, 1-based): chr3:30,606,926, G>C. VCF-style: chr3-30606926-G-C. GRCh37 (hg19) VCF-style: chr3-30648418-G-C.
Other names: c.43G>C (NM_003242.5); c.43G>C, p.Val15Leu (NM_001024847.3, NM_001407126.1, NM_001407127.1 and 4 more transcripts); c.-241G>C (NM_001407133.1); c.-119G>C (NM_001407134.1); c.-166G>C (NM_001407135.1); c.-251G>C (NM_001407136.1); c.-12+333G>C (NM_001407129.1, NM_001407132.1); short protein forms V15L.
Identifiers: ClinVar variation 3608894 (VCV003608894.3).

ClinVar aggregate classification (germline): Uncertain significance. Review status: criteria provided, multiple submitters, no conflicts (2 of 4 stars). 2 submissions from 2 submitters: Uncertain significance (2). Last evaluated 2025-05-03.

Conditions:
Familial thoracic aortic aneurysm and aortic dissection (TAAD). Also called: Thoracic aortic aneurysms and dissections. Identifiers: Orphanet 91387, MedGen C4707243, MONDO:0019625.

Submissions (2):

Ambry Genetics
Classification: Uncertain significance for Familial thoracic aortic aneurysm and aortic dissection. Last evaluated: 2025-05-03. Review status: criteria provided, single submitter. Criteria: Ambry Variant Classification Scheme 2023. Collection method: clinical testing. Allele origin: germline.
Comment: The p.V15L variant (also known as c.43G>C), located in coding exon 1 of the TGFBR2 gene, results from a G to C substitution at nucleotide position 43. The valine at codon 15 is replaced by leucine, an amino acid with highly similar properties. This amino acid position is conserved. In addition, this alteration is predicted to be tolerated by in silico analysis. Based on the available evidence, the clinical significance of this variant remains unclear.

Labcorp Genetics (formerly Invitae), Labcorp
Classification: Uncertain significance for Familial thoracic aortic aneurysm and aortic dissection. Last evaluated: 2024-12-03. Review status: criteria provided, single submitter. Criteria: Invitae Variant Classification Sherloc (09022015). Collection method: clinical testing. Allele origin: germline.
Comment: This sequence change replaces valine, which is neutral and non-polar, with leucine, which is neutral and non-polar, at codon 15 of the TGFBR2 protein (p.Val15Leu). This variant is not present in population databases (gnomAD no frequency). This variant has not been reported in the literature in individuals affected with TGFBR2-related conditions. Invitae Evidence Modeling of protein sequence and biophysical properties (such as structural, functional, and spatial information, amino acid conservation, physicochemical variation, residue mobility, and thermodynamic stability) indicates that this missense variant is not expected to disrupt TGFBR2 protein function with a negative predictive value of 95%. In summary, the available evidence is currently insufficient to determine the role of this variant in disease. Therefore, it has been classified as a Variant of Uncertain Significance.